The following is an entry in ClinVar:

NM_014855.3(AP5Z1):c.868del (p.Arg290fs)

Gene: AP5Z1 (adaptor related protein complex 5 subunit zeta 1; plus strand). Cytogenetic location: 7p22.1.
Variant type: Deletion.
Coding change: c.868del on transcript NM_014855.3 (MANE Select); coding-DNA position 868, one base deleted (C; older notation c.868delC).
Protein change: p.Arg290fs; shifts the reading frame from arginine 290.
Molecular consequence: frameshift variant. On other transcripts: non-coding transcript variant (1).
Genome position (GRCh38, 1-based): chr7:4,784,985, C deleted; the last of 4 consecutive C bases (chr7:4,784,982-4,784,985); deleting any one gives the same sequence. VCF-style (leftmost placement, unchanged base first): chr7-4784981-GC-G. GRCh37 (hg19) VCF-style: chr7-4824612-GC-G.
Other names: c.400del, p.Arg134fs (NM_001364858.1); c.868del, p.Arg290fs (LRG_1247t1); short protein forms R134fs, R290fs.
Identifiers: ClinVar variation 566755 (VCV000566755.8), dbSNP rs756556933, ClinGen allele CA4137431.
Genomic context (GRCh38, chr7:4,784,981, plus strand): 5'-GCAGGAGGGCTCCACTCTGTCGGTGATCTCCGCCACCTCCTCTGCCGGCCGCCTGCTGCC[GC>G]CCCGGGAGCGGCTTCGGGAGGTGGCCTTCGAGTACTGCCAGCGCCTCATTGAGCAAAGTA-3'

ClinVar aggregate classification (germline): Pathogenic/Likely pathogenic. Review status: criteria provided, multiple submitters, no conflicts (2 of 4 stars). 2 submissions from 2 submitters: Pathogenic (1); Likely pathogenic (1). Last evaluated 2024-03-18.

Conditions:
Hereditary spastic paraplegia 48. Also called: SPASTIC PARAPLEGIA 48, AUTOSOMAL RECESSIVE; Spastic paraplegia 48. Identifiers: Orphanet 306511, MedGen C3150901, MONDO:0013342, OMIM 613647.
Hereditary spastic paraplegia. Also called: Familial spastic paraparesis. Identifiers: Orphanet 685, MedGen C0037773, MONDO:0019064. Disease mechanism: loss of function.

Submissions (2):

Labcorp Genetics (formerly Invitae), Labcorp
Classification: Pathogenic for Hereditary spastic paraplegia 48. Last evaluated: 2024-03-18. Review status: criteria provided, single submitter. Criteria: Invitae Variant Classification Sherloc (09022015). Collection method: clinical testing. Allele origin: germline.
Comment: This sequence change creates a premature translational stop signal (p.Arg290Glyfs*24) in the AP5Z1 gene. It is expected to result in an absent or disrupted protein product. Loss-of-function variants in AP5Z1 are known to be pathogenic (PMID: 20613862, 27606357). This variant is present in population databases (rs756556933, gnomAD 0.009%). This variant has not been reported in the literature in individuals affected with AP5Z1-related conditions. ClinVar contains an entry for this variant (Variation ID: 566755). For these reasons, this variant has been classified as Pathogenic.

Genome Diagnostics Laboratory, The Hospital for Sick Children
Classification: Likely pathogenic for Hereditary spastic paraplegia. Last evaluated: 2016-12-12. Review status: criteria provided, single submitter. Criteria: ACMG Guidelines, 2015. Collection method: clinical testing. Allele origin: germline. Affected: yes.

Literature cited by the submitters: PubMed 20613862 (cited by Labcorp Genetics (formerly Invitae), Labcorp); PubMed 27606357 (cited by Labcorp Genetics (formerly Invitae), Labcorp).